The following is an entry in ClinVar:

ClinVar aggregate classification (germline): Pathogenic (1 of 4 stars; one submission).

Conditions:
Hereditary spastic paraplegia 4. Also called: Spastic paraplegia 4, autosomal dominant; Familial spastic paraplegia autosomal dominant 2; Spastic Paraplegia 4. Identifiers: Orphanet 100985, MedGen C1866855, MONDO:0008438, OMIM 182601.

Submission:

Labcorp Genetics (formerly Invitae), Labcorp
Classification: Pathogenic for Hereditary spastic paraplegia 4. Last evaluated: 2021-08-04. Review status: criteria provided, single submitter. Criteria: Invitae Variant Classification Sherloc (09022015). Collection method: clinical testing. Allele origin: germline.
Comment: This variant is a gross deletion of the genomic region encompassing exon(s) 10 of the SPAST gene. This deletion is out-of-frame, and is expected to create a premature translational stop signal and result in an absent or disrupted protein product. Loss-of-function variants in SPAST are known to be pathogenic (PMID: 20932283). A similar copy number variant has been observed in individuals with hereditary spastic paraplegia (PMID: 17035675, 29980238). For these reasons, this variant has been classified as Pathogenic.

Literature cited by the submitters: PubMed 20932283; PubMed 17035675; PubMed 29980238.

NC_000002.12:g.(?_32136553)_(32136648_?)del

Gene: SPAST (spastin; plus strand). Cytogenetic location: 2p22.3.
Variant type: Deletion.
Identifiers: ClinVar variation 645369 (VCV000645369.3).